The following is an entry in ClinVar:

ClinVar aggregate classification (germline): Pathogenic. Review status: criteria provided, multiple submitters, no conflicts (2 of 4 stars). 9 submissions from 9 submitters: Pathogenic (9). Last evaluated 2026-10-22.

Conditions:
Birt-Hogg-Dube syndrome 1 (BHD1). Also called: FIBROFOLLICULOMAS WITH TRICHODISCOMAS AND ACROCHORDONS. Identifiers: Orphanet 122, MedGen CN375946, MONDO:0800445, OMIM 135150.
Nonpapillary renal cell carcinoma. Identifiers: Orphanet 422526, MedGen CN074294, MONDO:0007763, OMIM 144700.
Colorectal cancer. Also called: Colorectal cancer, somatic; Malignant Colorectal Neoplasm. Identifiers: MedGen C0346629, MONDO:0005575, OMIM 114500.
17p11.2 microduplication syndrome (PTLS). Also called: Duplication 17p11.2 syndrome; Potocki-Lupski syndrome (dup(17)(p11.2p11.2)); CHROMOSOME 17p11.2 DUPLICATION SYNDROME; Potocki-Lupski syndrome. Identifiers: Orphanet 1713, MedGen C2931246, MONDO:0012574, OMIM 610883.
Birt-Hogg-Dube syndrome. Also called: Birt Hogg Dubé syndrome. Identifiers: Orphanet 122, MedGen C0346010, MONDO:0800444.
Familial spontaneous pneumothorax (PSP). Identifiers: Orphanet 2903, MedGen C1868193, MONDO:0008259, OMIM 173600.
Hereditary cancer-predisposing syndrome. Also called: Neoplastic Syndromes, Hereditary; Tumor predisposition; Hereditary neoplastic syndrome; Hereditary Cancer Syndrome. Identifiers: Orphanet 140162, MedGen C0027672, MeSH D009386, MONDO:0015356.

Allele frequency attached by ClinVar (database versions not stated): gnomAD exomes below 0.00001.
gnomAD v4.1: 2 of 1,613,872 alleles (0.00012%); highest among the groups gnomAD compares: Non-Finnish European, 0.00017%; no homozygotes.

Submissions (9):

Department of Medical Genetics, Hatay Education and Research Hospital
Classification: Pathogenic for Birt-Hogg-Dube syndrome 1. Last evaluated: 2026-10-22. Review status: criteria provided, single submitter. Criteria: ACMG Guidelines, 2015. Collection method: clinical testing. Allele origin: germline. Affected: yes. Observed: 3 variant alleles.
Comment: The c.499C>T (p.Gln167Ter) nonsense variant in the FLCN gene (NM_144997.7) introduces a premature termination codon at position 167, predicted to result in nonsense-mediated mRNA decay or a severely truncated, non-functional protein product, leading to loss of function (PVS1). This variant is extremely rare or absent in large population control databases such as gnoMAD (PM2_Supporting). In our clinical cohort, this variant was identified in patients presenting with clinical phenotypes. Furthermore, this variant is well-documented in ClinVar (Variation ID: 141865) with multiple independent submissions classifying it as pathogenic for Birt-Hogg-Dubé syndrome (PP4). Based on the ACMG/AMP guidelines and combined clinical evidence, this variant is classified as Pathogenic for Birt-Hogg-Dubé syndrome.

CeGaT Center for Human Genetics Tuebingen
Classification: Pathogenic. Last evaluated: 2026-07-01. Review status: criteria provided, single submitter. Criteria: CeGaT Center For Human Genetics Tuebingen Variant Classification Criteria Version 2. Collection method: clinical testing. Allele origin: germline. Affected: yes. Observed: 1 variant allele.
Comment: FLCN: PVS1, PS4, PM2, PP4

Labcorp Genetics (formerly Invitae), Labcorp
Classification: Pathogenic for Birt-Hogg-Dube syndrome. Last evaluated: 2025-10-29. Review status: criteria provided, single submitter. Criteria: Invitae Variant Classification Sherloc (09022015). Collection method: clinical testing. Allele origin: germline.
Comment: This sequence change creates a premature translational stop signal (p.Gln167*) in the FLCN gene. It is expected to result in an absent or disrupted protein product. Loss-of-function variants in FLCN are known to be pathogenic (PMID: 15852235). This variant is not present in population databases (gnomAD no frequency). This premature translational stop signal has been observed in individual(s) with clinical features of Birt-Hogg-Dubé syndrome, in at least one of whom it was found de novo (PMID: 23264078, 23784378, 26603437, 27257988, 27652079). In at least one individual the variant was observed to be de novo. ClinVar contains an entry for this variant (Variation ID: 141865). For these reasons, this variant has been classified as Pathogenic.

Institute of Medical Genetics and Applied Genomics, University Hospital Tübingen
Classification: Pathogenic for Birt-Hogg-Dube syndrome 1. Last evaluated: 2025-07-07. Review status: criteria provided, single submitter. Criteria: ACMG Guidelines, 2015. Collection method: clinical testing. Allele origin: germline. Inheritance: Autosomal dominant inheritance. Affected: yes.

Myriad Genetics, Inc.
Classification: Pathogenic for Birt-Hogg-Dube syndrome 1. Last evaluated: 2023-07-06. Review status: criteria provided, single submitter. Criteria: Myriad Autosomal Dominant, Autosomal Recessive and X-Linked Classification Criteria (2023). Collection method: clinical testing. Allele origin: unknown.
Comment: This variant is considered pathogenic. This variant creates a termination codon and is predicted to result in premature protein truncation.

Ambry Genetics
Classification: Pathogenic for Hereditary cancer-predisposing syndrome. Last evaluated: 2022-06-23. Review status: criteria provided, single submitter. Criteria: Ambry Variant Classification Scheme 2023. Collection method: clinical testing. Allele origin: germline.
Comment: The p.Q167* pathogenic mutation (also known as c.499C>T), located in coding exon 3 of the FLCN gene, results from a C to T substitution at nucleotide position 499. This changes the amino acid from a glutamine to a stop codon within coding exon 3. This mutation has been identified in multiple individuals with Birt-Hogg-Dube syndrome (Menko FH et al. Fam. Cancer, 2013 Sep;12:373-9; Luijten MN et al. Hum. Mol. Genet., 2013 Nov;22:4383-97; Johannesma PC et al. Fam. Cancer, 2016 Apr;15:297-300; Demir M et al. Pediatr Pulmonol, 2016 12;51:E41-E43). This variant is considered to be rare based on population cohorts in the Genome Aggregation Database (gnomAD). In addition to the clinical data presented in the literature, this alteration is expected to result in loss of function by premature protein truncation or nonsense-mediated mRNA decay. As such, this alteration is interpreted as a disease-causing mutation.

Fulgent Genetics
Classification: Pathogenic for Colorectal cancer; Birt-Hogg-Dube syndrome 1; Nonpapillary renal cell carcinoma; Familial spontaneous pneumothorax; 17p11.2 microduplication syndrome. Last evaluated: 2022-04-22. Review status: criteria provided, single submitter. Criteria: ACMG Guidelines, 2015. Collection method: clinical testing. Allele origin: unknown.

GeneDx
Classification: Pathogenic. Last evaluated: 2022-03-22. Review status: criteria provided, single submitter. Criteria: GeneDx Variant Classification Process June 2021. Collection method: clinical testing. Allele origin: germline. Affected: yes.
Comment: Nonsense variant predicted to result in protein truncation or nonsense mediated decay in a gene for which loss-of-function is a known mechanism of disease; Observed in individuals with BirtHoggDub syndrome in published literature, including one individual with this variant observed de novo with confirmed parentage (Menko 2013, Johannesma 2016, Sattler 2017, Radzikowska 2021); Not observed at significant frequency in large population cohorts (gnomAD); This variant is associated with the following publications: (PMID: 23784378, 28152038, 27257988, 15852235, 29357828, 28869776, 23264078, 26603437, 34229741, 27652079)

Genomic Diagnostic Laboratory, Division of Genomic Diagnostics, Children's Hospital of Philadelphia
Classification: Pathogenic for Birt-Hogg-Dube Syndrome. Last evaluated: 2016-07-18. Review status: criteria provided, single submitter. Criteria: DGD Variant Analysis Guidelines. Collection method: clinical testing. Allele origin: germline. Affected: yes. Observed: 1 variant allele.
Comment: Clinical Testing

Literature cited by the submitters: PubMed 15852235 (cited by Department of Medical Genetics, Hatay Education and Research Hospital and Labcorp Genetics (formerly Invitae), Labcorp); PubMed 23264078 (cited by 3 submitters); PubMed 23784378 (cited by Labcorp Genetics (formerly Invitae), Labcorp and Ambry Genetics); PubMed 26603437 (cited by Labcorp Genetics (formerly Invitae), Labcorp and Ambry Genetics); PubMed 27257988 (cited by Labcorp Genetics (formerly Invitae), Labcorp and Ambry Genetics); PubMed 27652079 (cited by Labcorp Genetics (formerly Invitae), Labcorp).

NM_144997.7(FLCN):c.499C>T (p.Gln167Ter)

Gene: FLCN (folliculin; minus strand). Cytogenetic location: 17p11.2.
Variant type: single nucleotide variant.
Coding change: c.499C>T on transcript NM_144997.7 (MANE Select); coding-DNA position 499, C replaced by T.
Protein change: p.Gln167Ter; replaces glutamine 167 with a stop codon.
Molecular consequence: nonsense.
Genome position (GRCh38, 1-based): chr17:17,224,041, G>A on the plus strand (C>T on the coding strand, the complement: FLCN is on the minus strand). VCF-style: chr17-17224041-G-A. GRCh37 (hg19) VCF-style: chr17-17127355-G-A.
Other names: c.553C>T, p.Gln185Ter (NM_001353229.2); c.499C>T, p.Gln167Ter (NM_001353230.2, NM_001353231.2, NM_144606.7); c.499C>T (LRG_325t1); short protein forms Q167*, Q185*.
Identifiers: ClinVar variation 141865 (VCV000141865.20), dbSNP rs587782069, ClinGen allele CA166645.
Genomic context (GRCh38, chr17:17,224,041, plus strand): 5'-GCCAGGAGTTGATGAGGTAGATCCGGTCCATCATGATGGTGATGATGCTGTACCAGCGCT[G>A]GAAGCCCCTGGCCAGGCTGTCCTTGATGAAGAAGGTGTGGCTGAACACAAAGCCGTGCTG-3'